The following is an entry in ClinVar:

NM_000186.4(CFH):c.2617C>T (p.Pro873Ser)

Gene: CFH (complement factor H; plus strand). Cytogenetic location: 1q31.3.
Variant type: single nucleotide variant.
Coding change: c.2617C>T on transcript NM_000186.4 (MANE Select); coding-DNA position 2617, C replaced by T.
Protein change: p.Pro873Ser; replaces proline 873 with serine.
Molecular consequence: missense variant.
Genome position (GRCh38, 1-based): chr1:196,737,495, C>T. VCF-style: chr1-196737495-C-T. GRCh37 (hg19) VCF-style: chr1-196706625-C-T.
Other names: short protein forms P873S.
Identifiers: ClinVar variation 2757307 (VCV002757307.3), dbSNP rs2529534182, ClinGen allele CA343993582.

ClinVar aggregate classification (germline): Uncertain significance (1 of 4 stars; one submission).

Allele frequency attached by ClinVar (database versions not stated): gnomAD exomes below 0.00001.
gnomAD v4.1: 3 of 1,612,500 alleles (0.00019%); highest among the groups gnomAD compares: Non-Finnish European, 0.00025%; no homozygotes.

Submission:

Labcorp Genetics (formerly Invitae), Labcorp
Classification: Uncertain significance. Last evaluated: 2023-09-01. Review status: criteria provided, single submitter. Criteria: Invitae Variant Classification Sherloc (09022015). Collection method: clinical testing. Allele origin: germline.
Comment: This sequence change replaces proline, which is neutral and non-polar, with serine, which is neutral and polar, at codon 873 of the CFH protein (p.Pro873Ser). In summary, the available evidence is currently insufficient to determine the role of this variant in disease. Therefore, it has been classified as a Variant of Uncertain Significance. An algorithm developed to predict the effect of missense changes on protein structure and function (PolyPhen-2) suggests that this variant is likely to be disruptive. This variant has not been reported in the literature in individuals affected with CFH-related conditions. This variant is not present in population databases (gnomAD no frequency).